The following is an entry in ClinVar:

ClinVar aggregate classification (germline): Uncertain significance (1 of 4 stars; one submission).

Conditions:
Immunodeficiency, common variable, 10. Also called: IMMUNODEFICIENCY, COMMON VARIABLE, WITH CENTRAL ADRENAL INSUFFICIENCY; DEFICIT IN ANTERIOR PITUITARY FUNCTION AND VARIABLE IMMUNODEFICIENCY. Identifiers: MedGen C3809991, MONDO:0014260, OMIM 615577.

Allele frequency attached by ClinVar (database versions not stated): ExAC 0.00002.
gnomAD v4.1: 7 of 1,613,550 alleles (0.00043%); highest among the groups gnomAD compares: East Asian, 0.0067%; no homozygotes.

Submission:

Labcorp Genetics (formerly Invitae), Labcorp
Classification: Uncertain significance for Immunodeficiency, common variable, 10. Last evaluated: 2022-06-09. Review status: criteria provided, single submitter. Criteria: Invitae Variant Classification Sherloc (09022015). Collection method: clinical testing. Allele origin: germline.
Comment: This sequence change replaces alanine, which is neutral and non-polar, with serine, which is neutral and polar, at codon 663 of the NFKB2 protein (p.Ala663Ser). This variant is present in population databases (rs759662244, gnomAD 0.01%). This variant has not been reported in the literature in individuals affected with NFKB2-related conditions. Algorithms developed to predict the effect of missense changes on protein structure and function are either unavailable or do not agree on the potential impact of this missense change (SIFT: "Deleterious"; PolyPhen-2: "Benign"; Align-GVGD: "Class C0"). In summary, the available evidence is currently insufficient to determine the role of this variant in disease. Therefore, it has been classified as a Variant of Uncertain Significance.

NM_001322934.2(NFKB2):c.1987G>T (p.Ala663Ser)

Gene: NFKB2 (nuclear factor kappa B subunit 2; plus strand). Cytogenetic location: 10q24.32.
Variant type: single nucleotide variant.
Coding change: c.1987G>T on transcript NM_001322934.2 (MANE Select); coding-DNA position 1987, G replaced by T.
Protein change: p.Ala663Ser; replaces alanine 663 with serine.
Molecular consequence: missense variant.
Genome position (GRCh38, 1-based): chr10:102,400,965, G>T. VCF-style: chr10-102400965-G-T. GRCh37 (hg19) VCF-style: chr10-104160722-G-T.
Other names: c.1987G>T, p.Ala663Ser (NM_001077493.1, NM_001077494.3, NM_001261403.3 and 2 more transcripts); c.1861G>T, p.Ala621Ser (NM_001322935.1); short protein forms A621S, A663S.
Identifiers: ClinVar variation 2148417 (VCV002148417.4), dbSNP rs759662244, ClinGen allele CA5664950.